The following is an entry in ClinVar:

NM_001013838.3(CARMIL2):c.2068C>T (p.Arg690Cys)

Gene: CARMIL2 (capping protein regulator and myosin 1 linker 2; plus strand). Cytogenetic location: 16q22.1.
Variant type: single nucleotide variant.
Coding change: c.2068C>T on transcript NM_001013838.3 (MANE Select); coding-DNA position 2068, C replaced by T.
Protein change: p.Arg690Cys; replaces arginine 690 with cysteine.
Molecular consequence: missense variant.
Genome position (GRCh38, 1-based): chr16:67,649,954, C>T. VCF-style: chr16-67649954-C-T. GRCh37 (hg19) VCF-style: chr16-67683857-C-T.
Other names: c.1960C>T, p.Arg654Cys (NM_001317026.3); short protein forms R654C, R690C.
Identifiers: ClinVar variation 1015878 (VCV001015878.6), dbSNP rs771349402, ClinGen allele CA8113652.

ClinVar aggregate classification (germline): Uncertain significance (1 of 4 stars; one submission).

Allele frequency attached by ClinVar (database versions not stated): ExAC 0.00001; TOPMed 0.00001.
gnomAD v4.1: 9 of 1,613,326 alleles (0.00056%); highest among the groups gnomAD compares: Middle Eastern, 0.066%; no homozygotes.

Submission:

Labcorp Genetics (formerly Invitae), Labcorp
Classification: Uncertain significance. Last evaluated: 2022-09-27. Review status: criteria provided, single submitter. Criteria: Invitae Variant Classification Sherloc (09022015). Collection method: clinical testing. Allele origin: germline.
Comment: In summary, the available evidence is currently insufficient to determine the role of this variant in disease. Therefore, it has been classified as a Variant of Uncertain Significance. Advanced modeling of protein sequence and biophysical properties (such as structural, functional, and spatial information, amino acid conservation, physicochemical variation, residue mobility, and thermodynamic stability) performed at Invitae indicates that this missense variant is not expected to disrupt CARMIL2 protein function. ClinVar contains an entry for this variant (Variation ID: 1015878). This variant has not been reported in the literature in individuals affected with CARMIL2-related conditions. This variant is present in population databases (rs771349402, gnomAD 0.003%). This sequence change replaces arginine, which is basic and polar, with cysteine, which is neutral and slightly polar, at codon 690 of the CARMIL2 protein (p.Arg690Cys).